The following is an entry in ClinVar:

NM_001129.5(AEBP1):c.678G>C (p.Glu226Asp)

Gene: AEBP1 (AE binding protein 1; plus strand). Cytogenetic location: 7p13.
Variant type: single nucleotide variant.
Coding change: c.678G>C on transcript NM_001129.5 (MANE Select); coding-DNA position 678, G replaced by C.
Protein change: p.Glu226Asp; replaces glutamic acid 226 with aspartic acid.
Molecular consequence: missense variant.
Genome position (GRCh38, 1-based): chr7:44,107,639, G>C. VCF-style: chr7-44107639-G-C. GRCh37 (hg19) VCF-style: chr7-44147238-G-C.
Other names: p.Glu226Asp; short protein forms E226D.
Identifiers: ClinVar variation 4541275 (VCV004541275.1).
Genomic context (GRCh38, chr7:44,107,639, plus strand): 5'-GAGTAGGCCTGGGTGGGGTTGTCAGGCAGCTACCAGCGCTTTCCCCTCAGAGCCGGAGGA[G>C]GAGACCGAGCAACCCACACTGGACTACAATGACCAGATCGAGAGGGAGGACTATGAGGAC-3'
Protein context (NP_001120.3, residues 216-236): EAREHQPEPE[Glu226Asp]ETEQPTLDYN

ClinVar aggregate classification (germline): Uncertain significance (1 of 4 stars; one submission).

gnomAD v4.1: 17 of 1,613,572 alleles (0.0011%); highest among the groups gnomAD compares: Non-Finnish European, 0.0013%; no homozygotes.

Submission:

Mayo Clinic Laboratories, Mayo Clinic
Classification: Uncertain significance. Last evaluated: 2025-11-06. Review status: criteria provided, single submitter. Criteria: ACMG Guidelines, 2015. Collection method: clinical testing. Allele origin: germline. Observed: 1 variant allele.
Comment: BP4_moderate